The following is an entry in ClinVar:

NM_004863.4(SPTLC2):c.1304-1G>C

Gene: SPTLC2 (serine palmitoyltransferase long chain base subunit 2; minus strand). Cytogenetic location: 14q24.3.
Variant type: single nucleotide variant.
Coding change: c.1304-1G>C on transcript NM_004863.4 (MANE Select); the canonical splice acceptor site of the intron before coding-DNA position 1304, G replaced by C.
Molecular consequence: splice acceptor variant.
Genome position (GRCh38, 1-based): chr14:77,521,582, C>G on the plus strand (G>C on the coding strand, the complement: SPTLC2 is on the minus strand). VCF-style: chr14-77521582-C-G. GRCh37 (hg19) VCF-style: chr14-77987925-C-G.
Identifiers: ClinVar variation 2696027 (VCV002696027.3), dbSNP rs2503446354, ClinGen allele CA390701270.

ClinVar aggregate classification (germline): Uncertain significance (1 of 4 stars; one submission).

Conditions:
Neuropathy, hereditary sensory and autonomic, type 1C. Also called: HSAN IC; HSN IC. Identifiers: Orphanet 36386, MedGen C3150896, MONDO:0013337, OMIM 613640.

Submission:

Labcorp Genetics (formerly Invitae), Labcorp
Classification: Uncertain significance for Neuropathy, hereditary sensory and autonomic, type 1C. Last evaluated: 2023-10-03. Review status: criteria provided, single submitter. Criteria: Invitae Variant Classification Sherloc (09022015). Collection method: clinical testing. Allele origin: germline.
Comment: This sequence change affects an acceptor splice site in intron 9 of the SPTLC2 gene. It is expected to disrupt RNA splicing. Variants that disrupt the donor or acceptor splice site typically lead to a loss of protein function (PMID: 16199547), however the current clinical and genetic evidence is not sufficient to establish whether loss-of-function variants in SPTLC2 cause disease. This variant is not present in population databases (gnomAD no frequency). This variant has not been reported in the literature in individuals affected with SPTLC2-related conditions. Algorithms developed to predict the effect of sequence changes on RNA splicing suggest that this variant may disrupt the consensus splice site. In summary, the available evidence is currently insufficient to determine the role of this variant in disease. Therefore, it has been classified as a Variant of Uncertain Significance.

Literature cited by the submitters: PubMed 16199547.